The following is an entry in ClinVar:

NM_000492.4(CFTR):c.1420G>T (p.Glu474Ter)

Genes: CFTR (CF transmembrane conductance regulator; plus strand), CFTR-AS1 (CFTR antisense RNA 1; minus strand). Cytogenetic location: 7q31.2.
Variant type: single nucleotide variant.
Coding change: c.1420G>T on transcript NM_000492.4 (MANE Select); coding-DNA position 1420, G replaced by T.
Protein change: p.Glu474Ter; replaces glutamic acid 474 with a stop codon.
Molecular consequence: nonsense.
Genome position (GRCh38, 1-based): chr7:117,559,491, G>T. VCF-style: chr7-117559491-G-T. GRCh37 (hg19) VCF-style: chr7-117199545-G-T.
Other names: short protein forms E474*.
Identifiers: ClinVar variation 962815 (VCV000962815.9), dbSNP rs756206533, ClinGen allele CA368984352.

ClinVar aggregate classification (germline): Pathogenic/Likely pathogenic. Review status: criteria provided, multiple submitters, no conflicts (2 of 4 stars). 2 submissions from 2 submitters: Pathogenic (1); Likely pathogenic (1). Last evaluated 2019-07-01.

Conditions:
Cystic fibrosis (CF). Also called: MUCOVISCIDOSIS. Identifiers: Orphanet 586, MedGen C0010674, MONDO:0009061, OMIM 219700. Disease mechanism: loss of function.

Submissions (2):

Labcorp Genetics (formerly Invitae), Labcorp
Classification: Pathogenic for Cystic fibrosis. Last evaluated: 2019-07-01. Review status: criteria provided, single submitter. Criteria: Invitae Variant Classification Sherloc (09022015). Collection method: clinical testing. Allele origin: germline.
Comment: This sequence change creates a premature translational stop signal (p.Glu474*) in the CFTR gene. It is expected to result in an absent or disrupted protein product. This variant is not present in population databases (ExAC no frequency). This variant has not been reported in the literature in individuals with CFTR-related conditions. Loss-of-function variants in CFTR are known to be pathogenic (PMID: 1695717, 7691345, 9725922). For these reasons, this variant has been classified as Pathogenic.

Clinical Genetics and Genomics, Karolinska University Hospital
Classification: Likely pathogenic. Last evaluated: 2018-08-15. Review status: criteria provided, single submitter. Criteria: ACMG Guidelines, 2015. Collection method: clinical testing. Allele origin: germline. Affected: yes. Observed: 1 variant allele.

Literature cited by the submitters: PubMed 1695717 (cited by Labcorp Genetics (formerly Invitae), Labcorp); PubMed 7691345 (cited by Labcorp Genetics (formerly Invitae), Labcorp); PubMed 9725922 (cited by Labcorp Genetics (formerly Invitae), Labcorp).